The following is an entry in ClinVar:

NM_001122955.4(BSCL2):c.568_569insCA (p.Phe190fs)

Genes: BSCL2 (BSCL2 lipid droplet biogenesis associated, seipin; minus strand), HNRNPUL2-BSCL2 (HNRNPUL2-BSCL2 readthrough (NMD candidate); minus strand). Cytogenetic location: 11q12.3.
Variant type: Insertion.
Coding change: c.568_569insCA on transcript NM_001122955.4 (MANE Select); coding-DNA positions 568 to 569, CA inserted.
Protein change: p.Phe190fs; shifts the reading frame from phenylalanine 190.
Molecular consequence: frameshift variant. On other transcripts: non-coding transcript variant (1).
Genome position: GRCh38 VCF-style: chr11-62694629-A-ATG. GRCh37 (hg19) VCF-style: chr11-62462101-A-ATG.
Other names: c.376_377insCA, p.Phe126fs (NM_001130702.2, NM_032667.6); c.568_569insCA, p.Phe190fs (NM_001386027.1, NM_001386028.1); short protein forms F126fs, F190fs.
Identifiers: ClinVar variation 1455707 (VCV001455707.6), dbSNP rs1244155207, ClinGen allele CA599560095.

ClinVar aggregate classification (germline): Pathogenic (1 of 4 stars; one submission).

Conditions:
Charcot-Marie-Tooth disease type 2. Also called: Charcot-Marie-Tooth type 2. Identifiers: Orphanet 64746, MedGen C0270914, MONDO:0018993.

Allele frequency attached by ClinVar (database versions not stated): gnomAD exomes below 0.00001 and 0.00001; gnomAD 0.00001; TOPMed 0.00001.

Submission:

Labcorp Genetics (formerly Invitae), Labcorp
Classification: Pathogenic for Charcot-Marie-Tooth disease type 2. Last evaluated: 2021-08-23. Review status: criteria provided, single submitter. Criteria: Invitae Variant Classification Sherloc (09022015). Collection method: clinical testing. Allele origin: germline.
Comment: For these reasons, this variant has been classified as Pathogenic. This variant has not been reported in the literature in individuals affected with BSCL2-related conditions. This variant is not present in population databases (ExAC no frequency). This sequence change creates a premature translational stop signal (p.Phe126Serfs*23) in the BSCL2 gene. It is expected to result in an absent or disrupted protein product. Loss-of-function variants in BSCL2 are known to be pathogenic (PMID: 11479539, 23564749).

Literature cited by the submitters: PubMed 11479539; PubMed 23564749.